The following is an entry in ClinVar:

NM_014244.5(ADAMTS2):c.733G>A (p.Val245Ile)

Gene: ADAMTS2 (ADAM metallopeptidase with thrombospondin type 1 motif 2; minus strand). Cytogenetic location: 5q35.3.
Variant type: single nucleotide variant.
Coding change: c.733G>A on transcript NM_014244.5 (MANE Select); coding-DNA position 733, G replaced by A.
Protein change: p.Val245Ile; replaces valine 245 with isoleucine.
Molecular consequence: missense variant.
Genome position (GRCh38, 1-based): chr5:179,207,671, C>T on the plus strand (G>A on the coding strand, the complement: ADAMTS2 is on the minus strand). VCF-style: chr5-179207671-C-T. GRCh37 (hg19) VCF-style: chr5-178634672-C-T.
Other names: c.733G>A, p.Val245Ile (NM_021599.4); short protein forms V245I.
Identifiers: ClinVar variation 353134 (VCV000353134.21), dbSNP rs398829, ClinGen allele CA3596182.
Genomic context (GRCh38, chr5:179,207,671, plus strand): 5'-CATCGTCCGCAGCATGCCTGCGTGCCCTCCGCCTCGAGCTGTTGGCGTGCTCCTCTAGGA[C>T]GCCCAGGGCGCGGCTGAGGCTGTCCAGGCTGTCCAGGGAGGCCCCTGCAAGGAGAGGACA-3'
Protein context (NP_055059.2, residues 235-255): SLDSLSRALG[Val245Ile]LEEHANSSRR

ClinVar aggregate classification (germline): Benign. Review status: criteria provided, multiple submitters, no conflicts (2 of 4 stars). 10 submissions from 10 submitters: Benign (7). 3 of the submissions do not count toward it. Last evaluated 2026-02-04.

Conditions:
Ehlers-Danlos syndrome, dermatosparaxis type. Also called: Ehlers-Danlos syndrome, type VII, autosomal recessive; EDS VIIC; Dermatosparaxis. Identifiers: Orphanet 1901, MedGen C2700425, MONDO:0009161, OMIM 225410.

Allele frequency attached by ClinVar (database versions not stated): ESP Exome Variant Server 0.32516; gnomAD 0.32945 and 0.33834; gnomAD exomes 0.35017; ExAC 0.35542; 1000 Genomes Project 30x 0.43020; 1000 Genomes Project 0.43191; TOPMed 0.33326.
gnomAD v4.1: 508,594 of 1,613,066 alleles (32%); highest among the groups gnomAD compares: East Asian, 65%; 85,601 homozygotes.

Submissions (10):

Labcorp Genetics (formerly Invitae), Labcorp
Classification: Benign for Ehlers-Danlos syndrome, dermatosparaxis type. Last evaluated: 2026-02-04. Review status: criteria provided, single submitter. Criteria: Invitae Variant Classification Sherloc (09022015). Collection method: clinical testing. Allele origin: germline.

Blueprint Genetics
Classification: Benign. Last evaluated: 2024-11-26. Review status: criteria provided, single submitter. Criteria: ACMG Guidelines, 2015. Collection method: clinical testing. Allele origin: germline.

Genome-Nilou Lab
Classification: Benign for Ehlers-Danlos syndrome, dermatosparaxis type. Last evaluated: 2021-07-10. Review status: criteria provided, single submitter. Criteria: ACMG Guidelines, 2015. Collection method: clinical testing. Allele origin: germline. Affected: no.

Mayo Clinic Laboratories, Mayo Clinic
Classification: Benign. Last evaluated: 2019-03-13. Review status: criteria provided, single submitter. Criteria: ACMG Guidelines, 2015. Collection method: clinical testing. Allele origin: germline. Observed: 2,205 variant alleles.

Illumina Laboratory Services, Illumina
Classification: Benign for Ehlers-Danlos syndrome, dermatosparaxis type. Last evaluated: 2018-01-13. Review status: criteria provided, single submitter. Criteria: ICSL Variant Classification Criteria 13 December 2019. Collection method: clinical testing. Allele origin: germline.
Comment: This variant was observed in the ICSL laboratory as part of a predisposition screen in an ostensibly healthy population. It had not been previously curated by ICSL or reported in the Human Gene Mutation Database (HGMD: prior to June 1st, 2018), and was therefore a candidate for classification through an automated scoring system. Utilizing variant allele frequency, disease prevalence and penetrance estimates, and inheritance mode, an automated score was calculated to assess if this variant is too frequent to cause the disease. Based on the score and internal cut-off values, a variant classified as benign is not then subjected to further curation. The score for this variant resulted in a classification of benign for this disease.

Women's Health and Genetics/Laboratory Corporation of America, LabCorp
Classification: Benign. Last evaluated: 2016-11-25. Review status: criteria provided, single submitter. Criteria: LabCorp Variant Classification Summary - May 2015. Collection method: clinical testing. Allele origin: germline.
Comment: Variant summary: The ADAMTS2 c.733G>A (p.Val245Ile) variant involves the alteration of a non-conserved nucleotide. 5/5 in silico tools predict a benign outcome for this variant . This variant was found in 42957/120864 control chromosomes (8516 homozygotes) at a frequency of 0.355416, which is approximately 123 times the estimated maximal expected allele frequency of a pathogenic ADAMTS2 variant (0.0028868), suggesting this variant is likely a benign polymorphism. . The variant of interest has been cited as Polymorphism in published report(s). Taking together, based on the prevalence in general population the variant was classified as Benign.

GeneDx
Classification: Benign. Last evaluated: 2016-09-29. Review status: criteria provided, single submitter. Criteria: GeneDx Variant Classification (06012015). Collection method: clinical testing. Allele origin: germline. Affected: yes.
Comment: This variant is considered likely benign or benign based on one or more of the following criteria: it is a conservative change, it occurs at a poorly conserved position in the protein, it is predicted to be benign by multiple in silico algorithms, and/or has population frequency not consistent with disease.

Natera, Inc.
Classification: Benign for Ehlers-Danlos syndrome type VIIC. Last evaluated: 2020-09-16. Review status: no assertion criteria provided. Collection method: clinical testing. Allele origin: germline. Not counted in ClinVar's aggregate classification.

Genome Diagnostics Laboratory, Amsterdam University Medical Center
Classification: Benign for Ehlers-Danlos syndrome, dermatosparaxis type. Last evaluated: 2014-02-04. Review status: no assertion criteria provided. Criteria: ACGS Guidelines, 2013. Collection method: clinical testing. Allele origin: germline. Affected: yes. Study: VKGL Data-share Consensus. Not counted in ClinVar's aggregate classification.

Diagnostic Laboratory, Department of Genetics, University Medical Center Groningen
Classification: Benign for Ehlers-Danlos syndrome, dermatosparaxis type. Review status: no assertion criteria provided. Collection method: clinical testing. Allele origin: germline. Affected: yes. Study: VKGL Data-share Consensus. Not counted in ClinVar's aggregate classification.

Literature cited by the submitters: PubMed 15373769 (cited by Women's Health and Genetics/Laboratory Corporation of America, LabCorp).